The following is an entry in ClinVar:

NM_004006.3(DMD):c.1310C>G (p.Ala437Gly)

Gene: DMD (dystrophin; minus strand). Cytogenetic location: Xp21.1.
Variant type: single nucleotide variant.
Coding change: c.1310C>G on transcript NM_004006.3 (MANE Select); coding-DNA position 1310, C replaced by G.
Protein change: p.Ala437Gly; replaces alanine 437 with glycine.
Molecular consequence: missense variant.
Genome position (GRCh38, 1-based): chrX:32,644,153, G>C on the plus strand (C>G on the coding strand, the complement: DMD is on the minus strand). VCF-style: chrX-32644153-G-C. GRCh37 (hg19) VCF-style: chrX-32662270-G-C.
Other names: c.1286C>G, p.Ala429Gly (NM_000109.4); c.1298C>G, p.Ala433Gly (NM_004009.3); c.941C>G, p.Ala314Gly (NM_004010.3); short protein forms A437G, A314G, A433G, A429G.
Identifiers: ClinVar variation 447251 (VCV000447251.11), dbSNP rs1556875180, ClinGen allele CA412660867.

ClinVar aggregate classification (germline): Pathogenic/Likely pathogenic. Review status: criteria provided, multiple submitters, no conflicts (2 of 4 stars). 2 submissions from 2 submitters: Pathogenic (1); Likely pathogenic (1). Last evaluated 2025-11-07.

Conditions:
Duchenne muscular dystrophy (DMD). Also called: MUSCULAR DYSTROPHY, PSEUDOHYPERTROPHIC PROGRESSIVE, DUCHENNE TYPE; Duchenne Muscular Dystrophy (DMD). Identifiers: Orphanet 98896, MedGen C0013264, MONDO:0010679, OMIM 310200.

Submissions (2):

Labcorp Genetics (formerly Invitae), Labcorp
Classification: Pathogenic for Duchenne muscular dystrophy. Last evaluated: 2025-11-07. Review status: criteria provided, single submitter. Criteria: Invitae Variant Classification Sherloc (09022015). Collection method: clinical testing. Allele origin: germline.
Comment: This sequence change replaces alanine, which is neutral and non-polar, with glycine, which is neutral and non-polar, at codon 437 of the DMD protein (p.Ala437Gly). This variant is not present in population databases (gnomAD no frequency). This missense change has been observed in individuals with clinical features of Duchenne or Becker muscular dystrophy (PMID: 16770791, 19937601, 32559196; internal data). ClinVar contains an entry for this variant (Variation ID: 447251). Invitae Evidence Modeling of protein sequence and biophysical properties (such as structural, functional, and spatial information, amino acid conservation, physicochemical variation, residue mobility, and thermodynamic stability) indicates that this missense variant is not expected to disrupt DMD protein function with a negative predictive value of 95%. Algorithms developed to predict the effect of sequence changes on RNA splicing suggest that this variant may disrupt the consensus splice site. For these reasons, this variant has been classified as Pathogenic.

Athena Diagnostics
Classification: Likely pathogenic. Last evaluated: 2019-09-03. Review status: criteria provided, single submitter. Criteria: Athena Diagnostics Criteria. Collection method: clinical testing. Allele origin: unknown.
Comment: This variant has not been reported in large, multi-ethnic general populations. This variant has been identified in at least one individual with clinical features associated with this gene.

Literature cited by the submitters: PubMed 16770791 (cited by Labcorp Genetics (formerly Invitae), Labcorp); PubMed 19937601 (cited by Labcorp Genetics (formerly Invitae), Labcorp and Athena Diagnostics); PubMed 32559196 (cited by Labcorp Genetics (formerly Invitae), Labcorp).